The following is an entry in ClinVar:

NM_206933.4(USH2A):c.3098A>G (p.Asp1033Gly)

Genes: USH2A (usherin; minus strand), USH2A-AS1 (USH2A antisense RNA 1; plus strand). Cytogenetic location: 1q41.
Variant type: single nucleotide variant.
Coding change: c.3098A>G on transcript NM_206933.4 (MANE Select); coding-DNA position 3098, A replaced by G.
Protein change: p.Asp1033Gly; replaces aspartic acid 1033 with glycine.
Molecular consequence: missense variant.
Genome position (GRCh38, 1-based): chr1:216,217,446, T>C on the plus strand (A>G on the coding strand, the complement: USH2A is on the minus strand). VCF-style: chr1-216217446-T-C. GRCh37 (hg19) VCF-style: chr1-216390788-T-C.
Other names: c.3098A>G, p.Asp1033Gly (NM_007123.6); short protein forms D1033G.
Identifiers: ClinVar variation 1351040 (VCV001351040.8), dbSNP rs2102496329, ClinGen allele CA344862796.

ClinVar aggregate classification (germline): Uncertain significance (1 of 4 stars; one submission).

Allele frequency attached by ClinVar (database versions not stated): gnomAD exomes below 0.00001.
gnomAD v4.1: 1 of 1,613,298 alleles (0.000062%); highest among the groups gnomAD compares: Non-Finnish European, 0.000085%; no homozygotes.

Submission:

Labcorp Genetics (formerly Invitae), Labcorp
Classification: Uncertain significance. Last evaluated: 2022-07-08. Review status: criteria provided, single submitter. Criteria: Invitae Variant Classification Sherloc (09022015). Collection method: clinical testing. Allele origin: germline.
Comment: This sequence change replaces aspartic acid, which is acidic and polar, with glycine, which is neutral and non-polar, at codon 1033 of the USH2A protein (p.Asp1033Gly). This variant is not present in population databases (gnomAD no frequency). This variant has not been reported in the literature in individuals affected with USH2A-related conditions. ClinVar contains an entry for this variant (Variation ID: 1351040). Algorithms developed to predict the effect of missense changes on protein structure and function are either unavailable or do not agree on the potential impact of this missense change (SIFT: "Deleterious"; PolyPhen-2: "Possibly Damaging"; Align-GVGD: "Class C0"). In summary, the available evidence is currently insufficient to determine the role of this variant in disease. Therefore, it has been classified as a Variant of Uncertain Significance.